The following is an entry in ClinVar:

NM_000540.3(RYR1):c.12981G>A (p.Glu4327=)

Gene: RYR1 (ryanodine receptor 1; plus strand). Cytogenetic location: 19q13.2.
Variant type: single nucleotide variant.
Coding change: c.12981G>A on transcript NM_000540.3 (MANE Select); coding-DNA position 12981, G replaced by A.
Protein change: p.Glu4327=; no amino-acid change (glutamic acid 4327 retained).
Molecular consequence: synonymous variant.
Genome position (GRCh38, 1-based): chr19:38,565,315, G>A. VCF-style: chr19-38565315-G-A. GRCh37 (hg19) VCF-style: chr19-39055955-G-A.
Other names: c.12966G>A, p.Glu4322= (NM_001042723.2).
Identifiers: ClinVar variation 4535776 (VCV004535776.1).
Genomic context (GRCh38, chr19:38,565,315, plus strand): 5'-CCTCAGCTACCGCAGCCTGCGGCGGCGCGTGCGGCGGCTGCGGCGGCTTACGGCCCGCGA[G>A]GCGGCCACCGCAGTGGCGGCGCTGCTCTGGGCAGCAGTGACGCGCGCTGGGGCCGCTGGC-3'
Protein context (NP_000531.2, residues 4317-4337): VRRLRRLTAR[Glu4327=]AATAVAALLW

ClinVar aggregate classification (germline): Likely benign (1 of 4 stars; one submission).

Submission:

Women's Health and Genetics/Laboratory Corporation of America, LabCorp
Classification: Likely benign. Last evaluated: 2025-09-04. Review status: criteria provided, single submitter. Criteria: LabCorp Variant Classification Summary - May 2015. Collection method: clinical testing. Allele origin: germline.
Comment: Variant summary: RYR1 c.12981G>A alters a conserved nucleotide resulting in a synonymous change. Consensus agreement among computation tools predict no significant impact on normal splicing. However, these predictions have yet to be confirmed by functional studies. The variant was absent in 1134784 control chromosomes (gnomAD). The available data on variant occurrences in the general population are insufficient to allow any conclusion about variant significance. To our knowledge, no occurrence of c.12981G>A in individuals affected with RYR1-related conditions and no experimental evidence demonstrating its impact on protein function have been reported. No submitters have cited clinical-significance assessments for this variant to ClinVar. Based on the evidence outlined above, the variant was classified as likely benign.